The following is an entry in ClinVar:

ClinVar aggregate classification (germline): Uncertain significance. Review status: criteria provided, multiple submitters, no conflicts (2 of 4 stars). 2 submissions from 2 submitters: Uncertain significance (2). Last evaluated 2021-04-30.

Conditions:
Myasthenic syndrome, congenital, 24, presynaptic. Identifiers: MedGen C4748684, MONDO:0032597, OMIM 618198.

Submissions (2):

Breda Genetics srl
Classification: Uncertain significance for Myasthenic syndrome, congenital, 24, presynaptic. Last evaluated: 2021-04-30. Review status: criteria provided, single submitter. Criteria: ACMG Guidelines, 2015. Collection method: clinical testing. Allele origin: germline. Inheritance: Autosomal recessive inheritance. Affected: yes. Observed: 1 variant allele, 1 heterozygote.
Comment: Based on allele frequency, in-silico prediction scores and a certain overlap with the clinical phenotype, we interpreted this variant at least as of uncertain significance. The lack of one or more of the following features has discouraged further investigations: lack of a possible second hit in autosomal recessive conditions, presence of healthy controls in databases for autosomal dominant conditions, presence of unmatching cardinal clinical features in the patient or in the known gene-disease association, and/or variant type outside the known gene mutational spectrum.

CeGaT Center for Human Genetics Tuebingen
Classification: Uncertain significance. Last evaluated: 2019-12-01. Review status: criteria provided, single submitter. Criteria: CeGaT Center For Human Genetics Tuebingen Variant Classification Criteria Version 2. Collection method: clinical testing. Allele origin: germline. Affected: yes. Observed: 2 variant alleles.

NM_006901.4(MYO9A):c.6476-7dup

Gene: MYO9A (myosin IXA; minus strand). Cytogenetic location: 15q23.
Variant type: Duplication.
Coding change: c.6476-7dup on transcript NM_006901.4 (MANE Select); 7 bases into the intron before coding-DNA position 6476, one base duplicated (T; older notation c.6476-7dupT).
Molecular consequence: intron variant.
Genome position (GRCh38, 1-based): chr15:71,851,361, A duplicated on the plus strand (T on the coding strand, the reverse complement: MYO9A is on the minus strand); the first of 5 consecutive A bases (chr15:71,851,361-71,851,365); duplicating any one gives the same sequence. VCF-style (leftmost placement, unchanged base first): chr15-71851360-T-TA. GRCh37 (hg19) VCF-style: chr15-72143701-T-TA.
Other names: c.6476-3dup (NM_006901.4).
Identifiers: ClinVar variation 871413 (VCV000871413.42), dbSNP rs574938131, ClinGen allele CA7640869.